The following is an entry in ClinVar:

ClinVar aggregate classification (germline): Uncertain significance (1 of 4 stars; one submission).

Submission:

Labcorp Genetics (formerly Invitae), Labcorp
Classification: Uncertain significance. Last evaluated: 2022-07-29. Review status: criteria provided, single submitter. Criteria: Invitae Variant Classification Sherloc (09022015). Collection method: clinical testing. Allele origin: germline.
Comment: This variant has not been reported in the literature in individuals affected with KIAA0753-related conditions. Algorithms developed to predict the effect of missense changes on protein structure and function output the following: SIFT: "Tolerated"; PolyPhen-2: "Benign"; Align-GVGD: "Class C0". The glycine amino acid residue is found in multiple mammalian species, which suggests that this missense change does not adversely affect protein function. In summary, the available evidence is currently insufficient to determine the role of this variant in disease. Therefore, it has been classified as a Variant of Uncertain Significance. This sequence change replaces alanine, which is neutral and non-polar, with glycine, which is neutral and non-polar, at codon 153 of the KIAA0753 protein (p.Ala153Gly). This variant is not present in population databases (gnomAD no frequency).

NM_014804.3(KIAA0753):c.458C>G (p.Ala153Gly)

Gene: KIAA0753 (KIAA0753; minus strand). Cytogenetic location: 17p13.1.
Variant type: single nucleotide variant.
Coding change: c.458C>G on transcript NM_014804.3 (MANE Select); coding-DNA position 458, C replaced by G.
Protein change: p.Ala153Gly; replaces alanine 153 with glycine.
Molecular consequence: missense variant. On other transcripts: 5 prime UTR variant (1), non-coding transcript variant (3).
Genome position (GRCh38, 1-based): chr17:6,628,377, G>C on the plus strand (C>G on the coding strand, the complement: KIAA0753 is on the minus strand). VCF-style: chr17-6628377-G-C. GRCh37 (hg19) VCF-style: chr17-6531697-G-C.
Other names: c.-777C>G (NM_001351225.2); short protein forms A153G.
Identifiers: ClinVar variation 1714105 (VCV001714105.5), dbSNP rs534603846, ClinGen allele CA397414850.